The following is an entry in ClinVar:

NM_000545.8(HNF1A):c.431T>C (p.Leu144Pro)

Gene: HNF1A (HNF1 homeobox A; plus strand). Cytogenetic location: 12q24.31.
Variant type: single nucleotide variant.
Coding change: c.431T>C on transcript NM_000545.8 (MANE Select); coding-DNA position 431, T replaced by C.
Protein change: p.Leu144Pro; replaces leucine 144 with proline.
Molecular consequence: missense variant.
Genome position (GRCh38, 1-based): chr12:120,988,937, T>C. VCF-style: chr12-120988937-T-C. GRCh37 (hg19) VCF-style: chr12-121426740-T-C.
Other names: c.431T>C, p.Leu144Pro (NM_001306179.2, NM_001406915.1); short protein forms L144P.
Identifiers: ClinVar variation 1739694 (VCV001739694.4), dbSNP rs2135832696, ClinGen allele CA386959967.

ClinVar aggregate classification (germline): Conflicting classifications of pathogenicity. Review status: criteria provided, conflicting classifications (1 of 4 stars). 2 submissions from 2 submitters: Likely pathogenic (1); Uncertain significance (1). Last evaluated 2024-02-28.

Conditions:
Maturity-onset diabetes of the young (MODY). Also called: Maturity onset diabetes mellitus in young. Identifiers: Orphanet 552, MedGen C0342276, MONDO:0018911, HP:0004904.
Maturity-onset diabetes of the young type 3. Also called: MODY type 3; MODY, type III. Identifiers: Orphanet 552, MedGen C1838100, MeSH C563933, MONDO:0010894, OMIM 600496. Disease mechanism: loss of function.

Allele frequency attached by ClinVar (database versions not stated): gnomAD exomes below 0.00001.
gnomAD v4.1: 1 of 1,614,254 alleles (0.000062%); highest among the groups gnomAD compares: Non-Finnish European, 0.000085%; no homozygotes.

Submissions (2):

Human Genetics Section, Sidra Medicine
Classification: Likely pathogenic for Maturity-onset diabetes of the young type 3. Last evaluated: 2024-02-28. Review status: criteria provided, single submitter. Criteria: ACMG Guidelines, 2015. Collection method: research. Allele origin: germline. Affected: yes. Observed: 1 variant allele.
Comment: The missense variant is located in a mutational hot spot and/or critical and well-established functional domain. The gene has low rate of benign missense variants. The condition associated with this gene has incomplete penetrance. In silico tools support a deleterious effect on the gene. Same codon with a different amino acid change as a known pathogenic variant of the gene. We therefore classify this variant as likely pathogenic

Ambry Genetics
Classification: Uncertain significance for Maturity-onset diabetes of the young. Last evaluated: 2018-11-29. Review status: criteria provided, single submitter. Criteria: Ambry Variant Classification Scheme 2023. Collection method: clinical testing. Allele origin: germline.
Comment: The p.L144P variant (also known as c.431T>C), located in coding exon 2 of the HNF1A gene, results from a T to C substitution at nucleotide position 431. The leucine at codon 144 is replaced by proline, an amino acid with similar properties. This variant was identified in one maturity-onset diabetes of the young family; however, clinical details were limited (Colclough K et al. Hum. Mutat., 2013 May;34:669-85). This amino acid position is highly conserved in available vertebrate species. In addition, this alteration is predicted to be deleterious by in silico analysis. Based on available evidence to date, the clinical significance of this alteration remains unclear.

Literature cited by the submitters: PubMed 23348805 (cited by Ambry Genetics).